The following is an entry in ClinVar:

ClinVar aggregate classification (germline): Conflicting classifications of pathogenicity. Review status: criteria provided, conflicting classifications (1 of 4 stars). 8 submissions from 8 submitters: Uncertain significance (3); Likely benign (4). 1 of the submissions does not count toward it. Last evaluated 2026-02-04.

Conditions:
HPS1-related disorder. Also called: HPS1-related condition.
Hermansky-Pudlak syndrome 1 (HPS1). Also called: DELTA STORAGE POOL DISEASE. Identifiers: Orphanet 231500, Orphanet 79430, MedGen C2931875, MONDO:0008748, OMIM 203300.

Allele frequency attached by ClinVar (database versions not stated): ESP Exome Variant Server 0.00192; 1000 Genomes Project 30x 0.00078; 1000 Genomes Project 0.00080; TOPMed 0.00114; gnomAD exomes 0.00124 and 0.00130; ExAC 0.00132; gnomAD 0.00137 and 0.00144.
gnomAD v4.1: 2,023 of 1,609,336 alleles (0.13%); highest among the groups gnomAD compares: Non-Finnish European, 0.13%; 2 homozygotes.

Submissions (8):

Labcorp Genetics (formerly Invitae), Labcorp
Classification: Likely benign. Last evaluated: 2026-02-04. Review status: criteria provided, single submitter. Criteria: Invitae Variant Classification Sherloc (09022015). Collection method: clinical testing. Allele origin: germline.

GeneDx
Classification: Uncertain significance. Last evaluated: 2025-12-30. Review status: criteria provided, single submitter. Criteria: GeneDx Variant Classification Process June 2021. Collection method: clinical testing. Allele origin: germline. Affected: yes.
Comment: Reported in published literature in an individual with pulmonary fibrosis; however, additional clinical information and familial segregation was not provided (PMID: 30985222); In silico analysis suggests that this missense variant does not alter protein structure/function; This variant is associated with the following publications: (PMID: 12125811, 11208073, 34580961, 30985222, 9787100)

Women's Health and Genetics/Laboratory Corporation of America, LabCorp
Classification: Likely benign. Last evaluated: 2025-02-05. Review status: criteria provided, single submitter. Criteria: LabCorp Variant Classification Summary - May 2015. Collection method: clinical testing. Allele origin: germline.
Comment: Variant summary: HPS1 c.1888G>A (p.Val630Ile) results in a conservative amino acid change located in the FUZ/MON1/HPS1, third Longin domain (IPR043970) of the encoded protein sequence. Three of five in-silico tools predict a damaging effect of the variant on protein function. The variant allele was found at a frequency of 0.0013 in 248998 control chromosomes, predominantly at a frequency of 0.0015 within the Non-Finnish European subpopulation in the gnomAD database. The observed variant frequency within Non-Finnish European control individuals in the gnomAD database is approximately 2 fold of the estimated maximal expected allele frequency for a pathogenic variant in HPS1 causing Hermansky-Pudlak Syndrome phenotype (0.00096). c.1888G>A has been reported in the literature in individuals affected with Hermansky-Pudlak Syndrome however in the presence of Pro324 frameshift indicating a benign role for this variant (Oh_1996). To our knowledge, no experimental evidence demonstrating an impact on protein function has been reported. The following publications have been ascertained in the context of this evaluation (PMID: 30985222, 8896559). ClinVar contains an entry for this variant (Variation ID: 21100). Based on the evidence outlined above, the variant was classified as likely benign.

Blueprint Genetics
Classification: Likely benign. Last evaluated: 2024-11-01. Review status: criteria provided, single submitter. Criteria: ACMG Guidelines, 2015. Collection method: clinical testing. Allele origin: germline.

Mayo Clinic Laboratories, Mayo Clinic
Classification: Likely benign. Last evaluated: 2024-04-10. Review status: criteria provided, single submitter. Criteria: ACMG Guidelines, 2015. Collection method: clinical testing. Allele origin: germline. Observed: 3 variant alleles.
Comment: BS1_supporting, BP4

Genetic Services Laboratory, University of Chicago
Classification: Uncertain significance. Last evaluated: 2018-04-30. Review status: criteria provided, single submitter. Criteria: ACMG Guidelines, 2015. Collection method: clinical testing. Allele origin: germline. Affected: no.

Illumina Laboratory Services, Illumina
Classification: Uncertain significance for Hermansky-Pudlak syndrome 1. Last evaluated: 2018-01-13. Review status: criteria provided, single submitter. Criteria: ICSL Variant Classification Criteria 13 December 2019. Collection method: clinical testing. Allele origin: germline.

PreventionGenetics, part of Exact Sciences
Classification: Likely benign for HPS1-related condition. Last evaluated: 2023-07-07. Review status: no assertion criteria provided. Collection method: clinical testing. Allele origin: germline. Not counted in ClinVar's aggregate classification.
Comment: This variant is classified as likely benign based on ACMG/AMP sequence variant interpretation guidelines (Richards et al. 2015 PMID: 25741868, with internal and published modifications).

Literature cited by the submitters: PubMed 30985222 (cited by Women's Health and Genetics/Laboratory Corporation of America, LabCorp); PubMed 8896559 (cited by Women's Health and Genetics/Laboratory Corporation of America, LabCorp).

NM_000195.5(HPS1):c.1888G>A (p.Val630Ile)

Gene: HPS1 (HPS1 biogenesis of lysosomal organelles complex 3 subunit 1; minus strand). Cytogenetic location: 10q24.2.
Variant type: single nucleotide variant.
Coding change: c.1888G>A on transcript NM_000195.5 (MANE Select); coding-DNA position 1888, G replaced by A.
Protein change: p.Val630Ile; replaces valine 630 with isoleucine.
Molecular consequence: missense variant.
Genome position (GRCh38, 1-based): chr10:98,418,227, C>T on the plus strand (G>A on the coding strand, the complement: HPS1 is on the minus strand). VCF-style: chr10-98418227-C-T. GRCh37 (hg19) VCF-style: chr10-100177984-C-T.
Other names: c.916G>A, p.Val306Ile (NM_001311345.2, NM_001322487.2, NM_001322489.2); c.1888G>A, p.Val630Ile (NM_001322476.2, NM_001322477.2); c.1789G>A, p.Val597Ile (NM_001322478.2, NM_001322479.2); c.1627G>A, p.Val543Ile (NM_001322480.2, NM_001322481.2); c.1528G>A, p.Val510Ile (NM_001322482.2); c.1519G>A, p.Val507Ile (NM_001322483.2, NM_001322484.2); c.1420G>A, p.Val474Ile (NM_001322485.2); short protein forms V630I, V507I, V306I, V474I, V510I, V543I, V597I.
Identifiers: ClinVar variation 21100 (VCV000021100.29), dbSNP rs139061260, ClinGen allele CA341628.